The following is an entry in ClinVar:

ClinVar aggregate classification (germline): Uncertain significance (1 of 4 stars; one submission).

Conditions:
Hereditary cancer-predisposing syndrome. Also called: Neoplastic Syndromes, Hereditary; Tumor predisposition; Hereditary neoplastic syndrome; Hereditary Cancer Syndrome. Identifiers: Orphanet 140162, MedGen C0027672, MeSH D009386, MONDO:0015356.

Submission:

Ambry Genetics
Classification: Uncertain significance for Hereditary cancer-predisposing syndrome. Last evaluated: 2026-07-07. Review status: criteria provided, single submitter. Criteria: Ambry Variant Classification Scheme 2023. Collection method: clinical testing. Allele origin: germline.
Comment: The p.L1813H variant (also known as c.5438T>A), located in coding exon 10 of the BRCA2 gene, results from a T to A substitution at nucleotide position 5438. The leucine at codon 1813 is replaced by histidine, an amino acid with similar properties. This amino acid position is conserved. In addition, this alteration is predicted to be tolerated by in silico analysis. Based on the available evidence, the clinical significance of this variant remains unclear.

NM_000059.4(BRCA2):c.5438T>A (p.Leu1813His)

Gene: BRCA2 (BRCA2 DNA repair associated; plus strand). Cytogenetic location: 13q13.1.
Variant type: single nucleotide variant.
Coding change: c.5438T>A on transcript NM_000059.4 (MANE Select); coding-DNA position 5438, T replaced by A.
Protein change: p.Leu1813His; replaces leucine 1813 with histidine.
Molecular consequence: missense variant. On other transcripts: non-coding transcript variant (1), intron variant (2).
Genome position (GRCh38, 1-based): chr13:32,339,793, T>A. VCF-style: chr13-32339793-T-A. GRCh37 (hg19) VCF-style: chr13-32913930-T-A.
Other names: c.5438T>A, p.Leu1813His (NM_001406719.1, NM_001406720.1, NM_001432077.1); c.1910-4765T>A (NM_001406721.1); c.425-4765T>A (NM_001406722.1); short protein forms L1813H.
Identifiers: ClinVar variation 5033300 (VCV005033300.1).
Genomic context (GRCh38, chr13:32,339,793, plus strand): 5'-ATGTAAAAGATGCAAATGCATACCCACAAACTGTAAATGAAGATATTTGCGTTGAGGAAC[T>A]TGTGACTAGCTCTTCACCCTGCAAAAATAAAAATGCAGCCATTAAATTGTCCATATCTAA-3'
Protein context (NP_000050.3, residues 1803-1823): TVNEDICVEE[Leu1813His]VTSSSPCKNK